The following is an entry in ClinVar:

NM_000439.5(PCSK1):c.2238G>A (p.Val746=)

Genes: CAST (calpastatin; plus strand), PCSK1 (proprotein convertase subtilisin/kexin type 1; minus strand), LOC101929710 (uncharacterized LOC101929710; plus strand). Cytogenetic location: 5q15.
Variant type: single nucleotide variant.
Coding change: c.2238G>A on transcript NM_000439.5 (MANE Select); coding-DNA position 2238, G replaced by A.
Protein change: p.Val746=; no amino-acid change (valine 746 retained).
Molecular consequence: synonymous variant. On other transcripts: intron variant (11).
Genome position (GRCh38, 1-based): chr5:96,393,025, C>T on the plus strand (G>A on the coding strand, the complement: PCSK1 is on the minus strand). VCF-style: chr5-96393025-C-T. GRCh37 (hg19) VCF-style: chr5-95728729-C-T.
Other names: c.2097G>A, p.Val699= (NM_001177875.2); c.-175+13373C>T (NM_001423254.1, NM_001423259.1, NM_001423255.1 and 6 more transcripts); c.-103+13373C>T (NM_001423253.1); c.-40+13373C>T (NM_001423258.1).
Identifiers: ClinVar variation 4998909 (VCV004998909.1).

ClinVar aggregate classification (germline): Likely benign (1 of 4 stars; one submission).

Conditions:
PCSK1-related disorder. Also called: PCSK1-related condition.

Submission:

PreventionGenetics, part of Exact Sciences
Classification: Likely benign for PCSK1-related condition. Last evaluated: 2024-12-03. Review status: criteria provided, single submitter. Criteria: ACMG Guidelines, 2015. Collection method: clinical testing. Allele origin: germline.
Comment: This variant is classified as likely benign based on ACMG/AMP sequence variant interpretation guidelines (Richards et al. 2015 PMID: 25741868, with internal and published modifications).